The following is an entry in ClinVar:

NM_001367916.1(MAGT1):c.-16A>G

Genes: MAGT1 (magnesium transporter 1; minus strand), LOC130068460 (ATAC-STARR-seq lymphoblastoid active region 29781; plus strand). Cytogenetic location: Xq21.1.
Variant type: single nucleotide variant.
Coding change: c.-16A>G on transcript NM_001367916.1 (MANE Select); 16 bases upstream of the start codon, A replaced by G.
Molecular consequence: 5 prime UTR variant. On other transcripts: synonymous variant (1).
Genome position (GRCh38, 1-based): chrX:77,895,426, T>C on the plus strand (A>G on the coding strand, the complement: MAGT1 is on the minus strand). VCF-style: chrX-77895426-T-C. GRCh37 (hg19) VCF-style: chrX-77150923-T-C.
Other names: c.81A>G, p.Glu27= (NM_032121.5).
Identifiers: ClinVar variation 778983 (VCV000778983.14), dbSNP rs191382595, ClinGen allele CA10458622.

ClinVar aggregate classification (germline): Benign/Likely benign. Review status: criteria provided, multiple submitters, no conflicts (2 of 4 stars). 4 submissions from 4 submitters: Benign (1); Likely benign (2). 1 of the submissions does not count toward it. Last evaluated 2026-01-26.

Conditions:
MAGT1-related disorder. Also called: MAGT1-related condition.
X-linked immunodeficiency with magnesium defect, Epstein-Barr virus infection and neoplasia. Identifiers: Orphanet 317476, MedGen C3275445, MONDO:0010455, OMIM 300853.

Allele frequency attached by ClinVar (database versions not stated): gnomAD exomes 0.00007 and 0.00020; ExAC 0.00027; ESP Exome Variant Server 0.00047; TOPMed 0.00070; gnomAD 0.00076 and 0.00077; 1000 Genomes Project 30x 0.00083; 1000 Genomes Project 0.00106.
gnomAD v4.1: 175 of 1,208,146 alleles (0.014%); highest among the groups gnomAD compares: African/African-American, 0.25%; no homozygotes.

Submissions (4):

Women's Health and Genetics/Laboratory Corporation of America, LabCorp
Classification: Likely benign. Last evaluated: 2026-01-26. Review status: criteria provided, single submitter. Criteria: LabCorp Variant Classification Summary - May 2015. Collection method: clinical testing. Allele origin: germline.

Labcorp Genetics (formerly Invitae), Labcorp
Classification: Benign for X-linked immunodeficiency with magnesium defect, Epstein-Barr virus infection and neoplasia. Last evaluated: 2026-01-12. Review status: criteria provided, single submitter. Criteria: Invitae Variant Classification Sherloc (09022015). Collection method: clinical testing. Allele origin: germline.

Blueprint Genetics
Classification: Likely benign. Last evaluated: 2024-09-09. Review status: criteria provided, single submitter. Criteria: ACMG Guidelines, 2015. Collection method: clinical testing. Allele origin: germline.

PreventionGenetics, part of Exact Sciences
Classification: Likely benign for MAGT1-related condition. Last evaluated: 2024-09-21. Review status: no assertion criteria provided. Collection method: clinical testing. Allele origin: germline. Not counted in ClinVar's aggregate classification.
Comment: This variant is classified as likely benign based on ACMG/AMP sequence variant interpretation guidelines (Richards et al. 2015 PMID: 25741868, with internal and published modifications).